The following is an entry in ClinVar:

ClinVar aggregate classification (germline): Uncertain significance (1 of 4 stars; one submission).

Submission:

Labcorp Genetics (formerly Invitae), Labcorp
Classification: Uncertain significance. Last evaluated: 2022-05-19. Review status: criteria provided, single submitter. Criteria: Invitae Variant Classification Sherloc (09022015). Collection method: clinical testing. Allele origin: germline.
Comment: This sequence change replaces tryptophan, which is neutral and slightly polar, with arginine, which is basic and polar, at codon 269 of the NTHL1 protein (p.Trp269Arg). This variant is not present in population databases (gnomAD no frequency). This variant has not been reported in the literature in individuals affected with NTHL1-related conditions. Algorithms developed to predict the effect of missense changes on protein structure and function are either unavailable or do not agree on the potential impact of this missense change (SIFT: "Not Available"; PolyPhen-2: "Possibly Damaging"; Align-GVGD: "Not Available"). In summary, the available evidence is currently insufficient to determine the role of this variant in disease. Therefore, it has been classified as a Variant of Uncertain Significance.

NM_002528.7(NTHL1):c.781T>C (p.Trp261Arg)

Gene: NTHL1 (nth like DNA glycosylase 1; minus strand). Cytogenetic location: 16p13.3.
Variant type: single nucleotide variant.
Coding change: c.781T>C on transcript NM_002528.7 (MANE Select); coding-DNA position 781, T replaced by C.
Protein change: p.Trp261Arg; replaces tryptophan 261 with arginine.
Molecular consequence: missense variant.
Genome position (GRCh38, 1-based): chr16:2,040,143, A>G on the plus strand (T>C on the coding strand, the complement: NTHL1 is on the minus strand). VCF-style: chr16-2040143-A-G. GRCh37 (hg19) VCF-style: chr16-2090144-A-G.
Other names: c.610T>C, p.Trp204Arg (NM_001318193.2); c.451T>C, p.Trp151Arg (NM_001318194.2); short protein forms W151R, W261R, W204R.
Identifiers: ClinVar variation 1996474 (VCV001996474.4), dbSNP rs2150938212, ClinGen allele CA394288682.